The following is an entry in ClinVar:

ClinVar aggregate classification (germline): Uncertain significance (1 of 4 stars; one submission).

Submission:

GeneDx
Classification: Uncertain significance. Last evaluated: 2024-09-08. Review status: criteria provided, single submitter. Criteria: GeneDx Variant Classification Process June 2021. Collection method: clinical testing. Allele origin: germline. Affected: yes.
Comment: In-frame deletion of 1 of amino acid in a non-repeat region; In silico analysis supports a deleterious effect on protein structure/function; Has not been previously published as pathogenic or benign to our knowledge

NM_032656.4(DHX37):c.226_228del (p.Glu76del)

Gene: DHX37 (DEAH-box helicase 37; minus strand). Cytogenetic location: 12q24.31.
Variant type: Deletion.
Coding change: c.226_228del on transcript NM_032656.4 (MANE Select); coding-DNA positions 226 to 228, 3 bases deleted (GAG; older notation c.226_228delGAG).
Protein change: p.Glu76del; deletes glutamic acid 76.
Genome position (GRCh38, 1-based): chr12:124,986,144-124,986,146, CTC deleted on the plus strand (GAG on the coding strand, the reverse complement: DHX37 is on the minus strand); deleting any 3 consecutive bases within chr12:124,986,144-124,986,148 gives the same sequence; the c. name uses the placement nearest the transcript's 3' end. VCF-style (leftmost placement, unchanged base first): chr12-124986143-TCTC-T. GRCh37 (hg19) VCF-style: chr12-125470689-TCTC-T.
Other names: short protein forms E76del.
Identifiers: ClinVar variation 3767529 (VCV003767529.1).
Genomic context (GRCh38, chr12:124,986,143, plus strand): 5'-GAGTGGGGTGTACCTGGCTCTTTTTCTCCTTCTGTTCTAAGATTTTCTGCAGCACTTTCT[TCTC>T]CTTCTTGGTCAGAGGCTTCTTCTCCTTCTTCGACAGGGGAGGGGCTTTGGTCTTCTTTTT-3'